The following is an entry in ClinVar:

ClinVar aggregate classification (germline): Likely benign (1 of 4 stars; one submission).

Conditions:
ARNT2-related disorder. Also called: ARNT2-related condition.

gnomAD v4.1: 2,841 of 1,595,572 alleles (0.18%); highest among the groups gnomAD compares: Non-Finnish European, 0.22%; 7 homozygotes.

Submission:

PreventionGenetics, part of Exact Sciences
Classification: Likely benign for ARNT2-related condition. Last evaluated: 2026-04-26. Review status: criteria provided, single submitter. Criteria: ACMG Guidelines, 2015. Collection method: clinical testing. Allele origin: germline.
Comment: This variant is classified as likely benign based on ACMG/AMP sequence variant interpretation guidelines (Richards et al. 2015 PMID: 25741868, with internal and published modifications).

NM_014862.4(ARNT2):c.*7C>T

Gene: ARNT2 (aryl hydrocarbon receptor nuclear translocator 2; plus strand). Cytogenetic location: 15q25.1.
Variant type: single nucleotide variant.
Coding change: c.*7C>T on transcript NM_014862.4 (MANE Select); 7 bases downstream of the stop codon, C replaced by T.
Molecular consequence: 3 prime UTR variant.
Genome position (GRCh38, 1-based): chr15:80,593,705, C>T. VCF-style: chr15-80593705-C-T. GRCh37 (hg19) VCF-style: chr15-80886046-C-T.
Identifiers: ClinVar variation 4981682 (VCV004981682.1).